The following is an entry in ClinVar:

NM_172351.3(CD46):c.*1875T>G

Gene: CD46 (CD46 molecule; plus strand). Cytogenetic location: 1q32.2.
Variant type: single nucleotide variant.
Coding change: c.*1875T>G on transcript NM_172351.3 (MANE Select); 1875 bases downstream of the stop codon, T replaced by G.
Molecular consequence: 3 prime UTR variant.
Genome position (GRCh38, 1-based): chr1:207,795,352, T>G. VCF-style: chr1-207795352-T-G. GRCh37 (hg19) VCF-style: chr1-207968697-T-G.
Other names: c.*1875T>G (LRG_155t1, NM_172352.3, NM_172355.3 and 2 more transcripts); c.*1761T>G (NM_153826.4, NM_172353.3, NM_172356.3 and 2 more transcripts); c.*1757T>G (NM_172350.3, NM_172358.3).
Identifiers: ClinVar variation 294994 (VCV000294994.6), dbSNP rs1237, ClinGen allele CA10609556.
Genomic context (GRCh38, chr1:207,795,352, plus strand): 5'-TGTATTTTGTCAAATTTGTTACTTAAATATATAGAGACCAGTTTTCTCTGGAAGTTTGTT[T>G]AAATGACAGAAGCGTATATGAATTCAAGAAAATTTAAGCTGCAAAAATGTATTTGCTATA-3'

ClinVar aggregate classification (germline): Benign. Review status: criteria provided, multiple submitters, no conflicts (2 of 4 stars). 2 submissions from 2 submitters: Benign (2). Last evaluated 2018-01-13.

Conditions:
Atypical hemolytic-uremic syndrome with MCP/CD46 anomaly. Also called: HEMOLYTIC UREMIC SYNDROME, ATYPICAL, SUSCEPTIBILITY TO, 2; AHUS, SUSCEPTIBILITY TO, 2. Identifiers: Orphanet 2134, MedGen C2752040, MONDO:0013040, OMIM 612922.

Allele frequency attached by ClinVar (database versions not stated): 1000 Genomes Project 30x 0.02748; 1000 Genomes Project 0.02796; gnomAD 0.04277 and 0.04298; TOPMed 0.03865.

Submissions (2):

Illumina Laboratory Services, Illumina
Classification: Benign for Atypical hemolytic-uremic syndrome with MCP/CD46 anomaly. Last evaluated: 2018-01-13. Review status: criteria provided, single submitter. Criteria: ICSL Variant Classification Criteria 13 December 2019. Collection method: clinical testing. Allele origin: germline.
Comment: This variant was observed in the ICSL laboratory as part of a predisposition screen in an ostensibly healthy population. It had not been previously curated by ICSL or reported in the Human Gene Mutation Database (HGMD: prior to June 1st, 2018), and was therefore a candidate for classification through an automated scoring system. Utilizing variant allele frequency, disease prevalence and penetrance estimates, and inheritance mode, an automated score was calculated to assess if this variant is too frequent to cause the disease. Based on the score and internal cut-off values, a variant classified as benign is not then subjected to further curation. The score for this variant resulted in a classification of benign for this disease.

Breakthrough Genomics
Classification: Benign. Review status: criteria provided, single submitter. Criteria: ACMG Guidelines, 2015. Collection method: not provided. Allele origin: germline. Inheritance: Autosomal recessive inheritance. Affected: yes.